The following is an entry in ClinVar:

NM_015693.4(INTU):c.515T>A (p.Val172Asp)

Gene: INTU (inturned planar cell polarity protein; plus strand). Cytogenetic location: 4q28.1.
Variant type: single nucleotide variant.
Coding change: c.515T>A on transcript NM_015693.4 (MANE Select); coding-DNA position 515, T replaced by A.
Protein change: p.Val172Asp; replaces valine 172 with aspartic acid.
Molecular consequence: missense variant.
Genome position (GRCh38, 1-based): chr4:127,643,889, T>A. VCF-style: chr4-127643889-T-A. GRCh37 (hg19) VCF-style: chr4-128565044-T-A.
Other names: short protein forms V172D.
Identifiers: ClinVar variation 2337992 (VCV002337992.6), dbSNP rs371454539, ClinGen allele CA3074809.

ClinVar aggregate classification (germline): Uncertain significance. Review status: criteria provided, multiple submitters, no conflicts (2 of 4 stars). 2 submissions from 2 submitters: Uncertain significance (2). Last evaluated 2025-06-02.

Conditions:
Inborn genetic diseases. Identifiers: MedGen C0950123, MeSH D030342.

Allele frequency attached by ClinVar (database versions not stated): ExAC 0.00001; TOPMed 0.00001; gnomAD 0.00002; ESP Exome Variant Server 0.00008.
gnomAD v4.1: 109 of 1,613,990 alleles (0.0068%); highest among the groups gnomAD compares: Non-Finnish European, 0.0081%; no homozygotes.

Submissions (2):

Labcorp Genetics (formerly Invitae), Labcorp
Classification: Uncertain significance. Last evaluated: 2025-06-02. Review status: criteria provided, single submitter. Criteria: Invitae Variant Classification Sherloc (09022015). Collection method: clinical testing. Allele origin: germline.
Comment: This sequence change replaces valine, which is neutral and non-polar, with aspartic acid, which is acidic and polar, at codon 172 of the INTU protein (p.Val172Asp). This variant is present in population databases (rs371454539, gnomAD 0.008%). This variant has not been reported in the literature in individuals affected with INTU-related conditions. ClinVar contains an entry for this variant (Variation ID: 2337992). Invitae Evidence Modeling of protein sequence and biophysical properties (such as structural, functional, and spatial information, amino acid conservation, physicochemical variation, residue mobility, and thermodynamic stability) indicates that this missense variant is not expected to disrupt INTU protein function with a negative predictive value of 80%. In summary, the available evidence is currently insufficient to determine the role of this variant in disease. Therefore, it has been classified as a Variant of Uncertain Significance.

Ambry Genetics
Classification: Uncertain significance for Inborn genetic diseases. Last evaluated: 2025-03-20. Review status: criteria provided, single submitter. Criteria: Ambry Variant Classification Scheme 2023. Collection method: clinical testing. Allele origin: germline.